The following is an entry in ClinVar:

ClinVar aggregate classification (germline): Uncertain significance. Review status: criteria provided, multiple submitters, no conflicts (2 of 4 stars). 3 submissions from 3 submitters: Uncertain significance (3). Last evaluated 2025-07-30.

Conditions:
Familial adenomatous polyposis 1 (FAP1). Also called: POLYPOSIS, ADENOMATOUS INTESTINAL; FAMILIAL ADENOMATOUS POLYPOSIS 1, ATTENUATED. Identifiers: MedGen C2713442, MONDO:0021056, OMIM 175100. Disease mechanism: loss of function.
Hereditary cancer-predisposing syndrome. Also called: Hereditary Cancer Syndrome; Neoplastic Syndromes, Hereditary; Tumor predisposition; Hereditary neoplastic syndrome. Identifiers: Orphanet 140162, MedGen C0027672, MeSH D009386, MONDO:0015356.

gnomAD v4.1: 1 of 1,614,170 alleles (0.000062%); highest among the groups gnomAD compares: Non-Finnish European, 0.000085%; no homozygotes.

Submissions (3):

Labcorp Genetics (formerly Invitae), Labcorp
Classification: Uncertain significance for Familial adenomatous polyposis 1. Last evaluated: 2025-07-30. Review status: criteria provided, single submitter. Criteria: Invitae Variant Classification Sherloc (09022015). Collection method: clinical testing. Allele origin: germline.
Comment: This sequence change replaces histidine, which is basic and polar, with arginine, which is basic and polar, at codon 1013 of the APC protein (p.His1013Arg). This variant is not present in population databases (gnomAD no frequency). This variant has not been reported in the literature in individuals affected with APC-related conditions. ClinVar contains an entry for this variant (Variation ID: 489433). Invitae Evidence Modeling of protein sequence and biophysical properties (such as structural, functional, and spatial information, amino acid conservation, physicochemical variation, residue mobility, and thermodynamic stability) indicates that this missense variant is not expected to disrupt APC protein function with a negative predictive value of 95%. In summary, the available evidence is currently insufficient to determine the role of this variant in disease. Therefore, it has been classified as a Variant of Uncertain Significance.

Color Diagnostics, LLC DBA Color Health
Classification: Uncertain significance for Hereditary cancer-predisposing syndrome. Last evaluated: 2024-03-06. Review status: criteria provided, single submitter. Criteria: ACMG Guidelines, 2015. Collection method: clinical testing. Allele origin: germline.
Comment: This missense variant replaces histidine with arginine at codon 1013 of the APC protein. Computational prediction is inconclusive regarding the impact of this variant on protein structure and function (internally defined REVEL score threshold 0.5 < inconclusive < 0.7, PMID: 27666373). To our knowledge, functional studies have not been reported for this variant. This variant has not been reported in individuals affected with hereditary cancer in the literature. This variant has not been identified in the general population by the Genome Aggregation Database (gnomAD). The available evidence is insufficient to determine the role of this variant in disease conclusively. Therefore, this variant is classified as a Variant of Uncertain Significance.

Ambry Genetics
Classification: Uncertain significance for Hereditary cancer-predisposing syndrome. Last evaluated: 2023-01-09. Review status: criteria provided, single submitter. Criteria: Ambry Variant Classification Scheme 2023. Collection method: clinical testing. Allele origin: germline.
Comment: The p.H1013R variant (also known as c.3038A>G), located in coding exon 15 of the APC gene, results from an A to G substitution at nucleotide position 3038. The histidine at codon 1013 is replaced by arginine, an amino acid with highly similar properties. This amino acid position is highly conserved in available vertebrate species. In addition, in silico predictors for this gene do not accurately predict pathogenicity. Since supporting evidence is limited at this time, the clinical significance of this alteration remains unclear.

NM_000038.6(APC):c.3038A>G (p.His1013Arg)

Gene: APC (APC regulator of Wnt signaling pathway; plus strand). Cytogenetic location: 5q22.2.
Variant type: single nucleotide variant.
Coding change: c.3038A>G on transcript NM_000038.6 (MANE Select); coding-DNA position 3038, A replaced by G.
Protein change: p.His1013Arg; replaces histidine 1013 with arginine.
Molecular consequence: missense variant.
Genome position (GRCh38, 1-based): chr5:112,838,632, A>G. VCF-style: chr5-112838632-A-G. GRCh37 (hg19) VCF-style: chr5-112174329-A-G.
Other names: c.3038A>G, p.His1013Arg (NM_001127510.3, NM_001354895.2); c.2984A>G, p.His995Arg (NM_001127511.3); c.3092A>G, p.His1031Arg (NM_001354896.2); c.3068A>G, p.His1023Arg (NM_001354897.2); c.2963A>G, p.His988Arg (NM_001354898.2); c.2954A>G, p.His985Arg (NM_001354899.2); c.2915A>G, p.His972Arg (NM_001354900.2); c.2861A>G, p.His954Arg (NM_001354901.2); and 5 more; short protein forms H1013R, H995R, H887R, H912R, H922R, H730R, H853R, H954R.
Identifiers: ClinVar variation 489433 (VCV000489433.17), dbSNP rs1554084653, ClinGen allele CA16027979.